The following is an entry in ClinVar:

ClinVar aggregate classification (germline): Uncertain significance (1 of 4 stars; one submission).

Allele frequency attached by ClinVar (database versions not stated): gnomAD exomes below 0.00001; TOPMed below 0.00001; gnomAD 0.00001.
gnomAD v4.1: 2 of 1,604,216 alleles (0.00012%); highest among the groups gnomAD compares: Non-Finnish European, 0.00017%; no homozygotes.

Submission:

Labcorp Genetics (formerly Invitae), Labcorp
Classification: Uncertain significance. Last evaluated: 2025-01-27. Review status: criteria provided, single submitter. Criteria: Invitae Variant Classification Sherloc (09022015). Collection method: clinical testing. Allele origin: germline.
Comment: This sequence change replaces proline, which is neutral and non-polar, with leucine, which is neutral and non-polar, at codon 343 of the TPRN protein (p.Pro343Leu). This variant is not present in population databases (gnomAD no frequency). This variant has not been reported in the literature in individuals affected with TPRN-related conditions. ClinVar contains an entry for this variant (Variation ID: 1489337). Invitae Evidence Modeling of protein sequence and biophysical properties (such as structural, functional, and spatial information, amino acid conservation, physicochemical variation, residue mobility, and thermodynamic stability) indicates that this missense variant is not expected to disrupt TPRN protein function with a negative predictive value of 80%. In summary, the available evidence is currently insufficient to determine the role of this variant in disease. Therefore, it has been classified as a Variant of Uncertain Significance.

NM_001128228.3(TPRN):c.1028C>T (p.Pro343Leu)

Gene: TPRN (taperin; minus strand). Cytogenetic location: 9q34.3.
Variant type: single nucleotide variant.
Coding change: c.1028C>T on transcript NM_001128228.3 (MANE Select); coding-DNA position 1028, C replaced by T.
Protein change: p.Pro343Leu; replaces proline 343 with leucine.
Molecular consequence: missense variant.
Genome position (GRCh38, 1-based): chr9:137,199,684, G>A on the plus strand (C>T on the coding strand, the complement: TPRN is on the minus strand). VCF-style: chr9-137199684-G-A. GRCh37 (hg19) VCF-style: chr9-140094136-G-A.
Other names: short protein forms P343L.
Identifiers: ClinVar variation 1489337 (VCV001489337.6), dbSNP rs1332229869, ClinGen allele CA375778105.